The following is an entry in ClinVar:

NM_000268.4(NF2):c.1447C>G (p.Pro483Ala)

Gene: NF2 (NF2, moesin-ezrin-radixin like (MERLIN) tumor suppressor; plus strand). Cytogenetic location: 22q12.2.
Variant type: single nucleotide variant.
Coding change: c.1447C>G on transcript NM_000268.4 (MANE Select); coding-DNA position 1447, C replaced by G.
Protein change: p.Pro483Ala; replaces proline 483 with alanine.
Molecular consequence: missense variant. On other transcripts: non-coding transcript variant (1), intron variant (1).
Genome position (GRCh38, 1-based): chr22:29,678,196, C>G. VCF-style: chr22-29678196-C-G. GRCh37 (hg19) VCF-style: chr22-30074185-C-G.
Other names: c.1447C>G, p.Pro483Ala (NM_016418.5, NM_181825.3, NM_181832.3); c.1321C>G, p.Pro441Ala (NM_181828.3); c.1324C>G, p.Pro442Ala (NM_181829.3); c.1198C>G, p.Pro400Ala (NM_181830.3, NM_181831.3); c.448-16556C>G (NM_181833.3); short protein forms P400A, P441A, P442A, P483A.
Identifiers: ClinVar variation 847669 (VCV000847669.15), dbSNP rs2067022285, ClinGen allele CA411149535.
Genomic context (GRCh38, chr22:29,678,196, plus strand): 5'-AGTAGTGTCCTTCTGTGCTTGTATGACCCAAGCTCCTAATCCGAAATTTCTCATTAACAG[C>G]CCATGAACCCAATTCCAGCACCGTTGCCTCCTGACATACCAAGCTTCAACCTCATTGGTG-3'
Protein context (NP_000259.1, residues 473-493): LEIATKPTYP[Pro483Ala]MNPIPAPLPP

ClinVar aggregate classification (germline): Uncertain significance. Review status: criteria provided, multiple submitters, no conflicts (2 of 4 stars). 2 submissions from 2 submitters: Uncertain significance (2). Last evaluated 2026-07-07.

Conditions:
Hereditary cancer-predisposing syndrome. Also called: Tumor predisposition; Hereditary neoplastic syndrome; Neoplastic Syndromes, Hereditary; Hereditary Cancer Syndrome. Identifiers: Orphanet 140162, MedGen C0027672, MeSH D009386, MONDO:0015356.
Neurofibromatosis, type 2 (SWNV). Also called: SCHWANNOMATOSIS, VESTIBULAR; NF2-Related Schwannomatosis; BILATERAL ACOUSTIC NEUROFIBROMATOSIS. Identifiers: Orphanet 637, MedGen C0027832, MONDO:0007039, OMIM 101000. Disease mechanism: loss of function.

Submissions (2):

Ambry Genetics
Classification: Uncertain significance for Hereditary cancer-predisposing syndrome. Last evaluated: 2026-07-07. Review status: criteria provided, single submitter. Criteria: Ambry Variant Classification Scheme 2023. Collection method: clinical testing. Allele origin: germline.
Comment: The p.P483A variant (also known as c.1447C>G) is located in coding exon 14 of the NF2 gene. The proline at codon 483 is replaced by alanine, an amino acid with highly similar properties. This change occurs in the first base pair of coding exon 14. This amino acid position is conserved. In addition, this alteration is predicted to be tolerated by in silico analysis. Based on the available evidence, the clinical significance of this variant remains unclear.

Labcorp Genetics (formerly Invitae), Labcorp
Classification: Uncertain significance for Neurofibromatosis, type 2. Last evaluated: 2020-12-17. Review status: criteria provided, single submitter. Criteria: Invitae Variant Classification Sherloc (09022015). Collection method: clinical testing. Allele origin: germline.
Comment: This variant has not been reported in the literature in individuals with NF2-related conditions. In summary, the available evidence is currently insufficient to determine the role of this variant in disease. Therefore, it has been classified as a Variant of Uncertain Significance. Algorithms developed to predict the effect of missense changes on protein structure and function (SIFT, PolyPhen-2, Align-GVGD) all suggest that this variant is likely to be tolerated, but these predictions have not been confirmed by published functional studies and their clinical significance is uncertain. This variant is not present in population databases (ExAC no frequency). This sequence change replaces proline with alanine at codon 483 of the NF2 protein (p.Pro483Ala). The proline residue is weakly conserved and there is a small physicochemical difference between proline and alanine.